The following is an entry in ClinVar:

NM_000098.3(CPT2):c.556A>C (p.Ile186Leu)

Gene: CPT2 (carnitine palmitoyltransferase 2; plus strand). Cytogenetic location: 1p32.3.
Variant type: single nucleotide variant.
Coding change: c.556A>C on transcript NM_000098.3 (MANE Select); coding-DNA position 556, A replaced by C.
Protein change: p.Ile186Leu; replaces isoleucine 186 with leucine.
Molecular consequence: missense variant.
Genome position (GRCh38, 1-based): chr1:53,210,230, A>C. VCF-style: chr1-53210230-A-C. GRCh37 (hg19) VCF-style: chr1-53675902-A-C.
Other names: c.556A>C, p.Ile186Leu (NM_001330589.2); short protein forms I186L.
Identifiers: ClinVar variation 1398043 (VCV001398043.6), dbSNP rs377737941, ClinGen allele CA859004.

ClinVar aggregate classification (germline): Uncertain significance (1 of 4 stars; one submission).

Conditions:
Carnitine palmitoyltransferase II deficiency. Also called: Carnitine Palmitoyltransferase 2 Deficiency. Identifiers: Orphanet 157, MedGen C0342790, MONDO:0015515.

Allele frequency attached by ClinVar (database versions not stated): ExAC 0.00001; gnomAD 0.00002; TOPMed 0.00002; ESP Exome Variant Server 0.00008.

Submission:

Labcorp Genetics (formerly Invitae), Labcorp
Classification: Uncertain significance for Carnitine palmitoyltransferase II deficiency. Last evaluated: 2022-06-27. Review status: criteria provided, single submitter. Criteria: Invitae Variant Classification Sherloc (09022015). Collection method: clinical testing. Allele origin: germline.
Comment: In summary, the available evidence is currently insufficient to determine the role of this variant in disease. Therefore, it has been classified as a Variant of Uncertain Significance. Advanced modeling of protein sequence and biophysical properties (such as structural, functional, and spatial information, amino acid conservation, physicochemical variation, residue mobility, and thermodynamic stability) performed at Invitae indicates that this missense variant is not expected to disrupt CPT2 protein function. This variant has not been reported in the literature in individuals affected with CPT2-related conditions. This variant is present in population databases (rs377737941, gnomAD 0.007%). This sequence change replaces isoleucine, which is neutral and non-polar, with leucine, which is neutral and non-polar, at codon 186 of the CPT2 protein (p.Ile186Leu).